The following is an entry in ClinVar:

NM_003705.5(SLC25A12):c.1320G>A (p.Gln440=)

Gene: SLC25A12 (solute carrier family 25 member 12; minus strand). Cytogenetic location: 2q31.1.
Variant type: single nucleotide variant.
Coding change: c.1320G>A on transcript NM_003705.5 (MANE Select); coding-DNA position 1320, G replaced by A.
Protein change: p.Gln440=; no amino-acid change (glutamine 440 retained).
Molecular consequence: synonymous variant. On other transcripts: non-coding transcript variant (1).
Genome position (GRCh38, 1-based): chr2:171,793,753, C>T on the plus strand (G>A on the coding strand, the complement: SLC25A12 is on the minus strand). VCF-style: chr2-171793753-C-T. GRCh37 (hg19) VCF-style: chr2-172650263-C-T.
Identifiers: ClinVar variation 2498846 (VCV002498846.28), dbSNP rs2545160084, ClinGen allele CA429781898.
Genomic context (GRCh38, chr2:171,793,753, plus strand): 5'-GATCTCTCCAGCTACTTGCAGACGAATCTTCACTATCTCCAATGGGTTGGTAAAAATGAC[C>T]TGAGAGCCTCCAGCCTGTAGGCAAGGGAGAAGAGACAGGCAGATTCCACATCAGAGCCCG-3'
Protein context (NP_003696.2, residues 430-450): VLAGGCAGGS[Gln440=]VIFTNPLEIV

ClinVar aggregate classification (germline): Likely benign (1 of 4 stars; one submission).

Submission:

CeGaT Center for Human Genetics Tuebingen
Classification: Likely benign. Last evaluated: 2023-03-01. Review status: criteria provided, single submitter. Criteria: CeGaT Center For Human Genetics Tuebingen Variant Classification Criteria Version 2. Collection method: clinical testing. Allele origin: germline. Affected: yes. Observed: 2 variant alleles.
Comment: SLC25A12: PM2:Supporting, BP4, BP7